The following is an entry in ClinVar:

ClinVar aggregate classification (germline): Conflicting classifications of pathogenicity. Review status: criteria provided, conflicting classifications (1 of 4 stars). 3 submissions from 3 submitters: Uncertain significance (1); Likely benign (2). Last evaluated 2024-08-28.

Conditions:
Intellectual developmental disorder, X-linked 104. Also called: Intellectual disability, X-linked 104. Identifiers: MedGen C4310817, MONDO:0010509, OMIM 300983.
Inborn genetic diseases. Identifiers: MedGen C0950123, MeSH D030342.

Allele frequency attached by ClinVar (database versions not stated): gnomAD 0.00012 and 0.00011; gnomAD exomes 0.00017 and 0.00013; ExAC 0.00011; TOPMed 0.00017; ESP Exome Variant Server 0.00028.
gnomAD v4.1: 197 of 1,209,269 alleles (0.016%); highest among the groups gnomAD compares: Middle Eastern, 0.069%; no homozygotes.

Submissions (3):

Blueprint Genetics
Classification: Likely benign. Last evaluated: 2024-08-28. Review status: criteria provided, single submitter. Criteria: ACMG Guidelines, 2015. Collection method: clinical testing. Allele origin: germline.

Ambry Genetics
Classification: Likely benign for Inborn genetic diseases. Last evaluated: 2022-05-27. Review status: criteria provided, single submitter. Criteria: Ambry Variant Classification Scheme 2023. Collection method: clinical testing. Allele origin: germline.

Centre for Mendelian Genomics, University Medical Centre Ljubljana
Classification: Uncertain significance for Intellectual developmental disorder, X-linked 104. Last evaluated: 2019-08-23. Review status: criteria provided, single submitter. Criteria: ACMG Guidelines, 2015. Collection method: clinical testing. Allele origin: unknown. Affected: yes.
Comment: This variant was classified as: Uncertain significance. The available evidence on this variant's pathogenicity is insufficient or conflicting. The following ACMG criteria were applied in classifying this variant: No criteria apply. This variant was detected in hemizygous state.

NM_001368397.1(FRMPD4):c.1925C>T (p.Ala642Val)

Gene: FRMPD4 (FERM and PDZ domain containing 4; plus strand). Cytogenetic location: Xp22.2.
Variant type: single nucleotide variant.
Coding change: c.1925C>T on transcript NM_001368397.1 (MANE Select); coding-DNA position 1925, C replaced by T.
Protein change: p.Ala642Val; replaces alanine 642 with valine.
Molecular consequence: missense variant.
Genome position (GRCh38, 1-based): chrX:12,716,384, C>T. VCF-style: chrX-12716384-C-T. GRCh37 (hg19) VCF-style: chrX-12734503-C-T.
Other names: c.2036C>T, p.Ala679Val (NM_001368395.3, NM_001368398.3); c.1931C>T, p.Ala644Val (NM_001368396.3); c.1916C>T, p.Ala639Val (NM_001368399.3); c.1805C>T, p.Ala602Val (NM_001368400.3); c.1901C>T, p.Ala634Val (NM_001368401.1, NM_001368402.3); c.1925C>T, p.Ala642Val (NM_014728.3); short protein forms A602V, A639V, A634V, A642V, A644V, A679V.
Identifiers: ClinVar variation 931648 (VCV000931648.7), dbSNP rs142025193, ClinGen allele CA10349386.